The following continues an entry in ClinVar:

NM_000257.4(MYH7):c.427C>T (p.Arg143Trp)

Gene: MYH7. ClinVar aggregate classification (germline): Pathogenic. Pathogenic (1).

Submissions 8 to 21 of 21:

All of Us Research Program, National Institutes of Health
Classification: Likely pathogenic for Hypertrophic cardiomyopathy. Last evaluated: 2024-10-01. Review status: criteria provided, single submitter. Criteria: ACMG Guidelines, 2015. Collection method: clinical testing. Allele origin: germline. Inheritance: Autosomal dominant inheritance. Observed: 4 variant alleles, 4 heterozygotes. Not counted in ClinVar's aggregate classification.
Comment: This missense variant replaces arginine with tryptophan at codon 143 of the myosin head/motor (S1) domain of the MYH7 protein. Computational prediction suggests that this variant may have deleterious impact on protein structure and function (internally defined REVEL score threshold >= 0.7, PMID: 27666373). To our knowledge, functional studies have not been reported for this variant. This variant has been reported in over 10 individuals affected with hypertrophic cardiomyopathy (PMID: 12974739, 25086479, 26914223, 27532257, 28408708, 28193612, 30588760, 32344918, 33495596, 33495597, 34598319; ClinVar SCV000199274.4), as well as in six individuals affected with or suspected of having hypertrophic cardiomyopathy (PMID: 24510615). Four family members of these probands have been reported to be unaffected carriers (PMID: 30588760). This variant has also been identified in a case of fetal left ventricular noncompaction (PMID: 33309763). This variant has been identified in 7/251480 chromosomes in the general population by the Genome Aggregation Database (gnomAD). A different missense variant occurring at the same codon, p.Arg143Gln (Clinvar variation ID 43006), is known to cause familial hypertrophic cardiomyopathy, suggesting that arginine at this position is important for MYH7 protein function. Based on the available evidence, this variant is classified as Likely Pathogenic.

This study involves interpretation of variants in research participants for the purpose of population health screening. Participant phenotype was not available at the time of variant classification. Additional details can be found in publication PMID: 35346344, PMCID: PMC8962531

KardioGenetik, Herz- und Diabeteszentrum NRW
Classification: Pathogenic for Hypertrophic cardiomyopathy 1. Last evaluated: 2024-02-15. Review status: criteria provided, single submitter. Criteria: ACMG Guidelines, 2015. Collection method: clinical testing. Allele origin: unknown. Observed: 1 variant allele. Not counted in ClinVar's aggregate classification.

3billion
Classification: Likely pathogenic for Hypertrophic cardiomyopathy 1. Last evaluated: 2024-02-01. Review status: criteria provided, single submitter. Criteria: ACMG Guidelines, 2015. Collection method: clinical testing. Allele origin: germline. Affected: yes. Not counted in ClinVar's aggregate classification.
Comment: The variant is observed at an extremely low frequency in the gnomAD v2.1.1 dataset (total allele frequency: 0.003%). Predicted Consequence/Location: Missense variant In silico tool predictions suggest damaging effect of the variant on gene or gene product [REVEL: 0.89 (>=0.6, sensitivity 0.68 and specificity 0.92); 3Cnet: 0.77 (>=0.6, sensitivity 0.72 and precision 0.9)]. Same nucleotide change resulting in same amino acid change has been previously reported as pathogenic/likely pathogenic with strong evidence (ClinVar ID: VCV000164401 /PMID: 12974739). Different missense changes at the same codon (p.Arg143Gln, p.Arg143Gly, p.Arg143Leu, p.Arg143Pro) have been reported as pathogenic/likely pathogenic with strong evidence (ClinVar ID: VCV000043006, VCV001315601, VCV001501114 /PMID: 12820698, 8533830 /3billion dataset). Therefore, this variant is classified as Likely pathogenic according to the recommendation of ACMG/AMP guideline.

Blueprint Genetics
Classification: Pathogenic for MYH7-related disorders. Last evaluated: 2021-10-20. Review status: criteria provided, single submitter. Criteria: ACMG Guidelines, 2015. Collection method: clinical testing. Allele origin: germline. Affected: yes. Observed: 5 variant alleles. Not counted in ClinVar's aggregate classification.

CHEO Genetics Diagnostic Laboratory, Children's Hospital of Eastern Ontario
Classification: Likely pathogenic for Cardiomyopathy. Last evaluated: 2021-04-29. Review status: criteria provided, single submitter. Criteria: ACMG Guidelines, 2015. Collection method: clinical testing. Allele origin: germline. Not counted in ClinVar's aggregate classification.

Laboratory for Molecular Medicine, Mass General Brigham Personalized Medicine
Classification: Likely pathogenic for Hypertrophic cardiomyopathy. Last evaluated: 2020-10-05. Review status: criteria provided, single submitter. Criteria: LMM Criteria. Collection method: clinical testing. Allele origin: germline. Inheritance: Autosomal dominant inheritance. Observed: 6 variant alleles. Not counted in ClinVar's aggregate classification.
Comment: proposed classification - variant undergoing re-assessment, contact laboratory

Clinical Genetics Laboratory, Region Ostergotland
Classification: Likely pathogenic for Hypertrophic cardiomyopathy 1. Last evaluated: 2019-05-27. Review status: criteria provided, single submitter. Criteria: ACMG Guidelines, 2015. Collection method: clinical testing. Allele origin: germline. Affected: yes. Not counted in ClinVar's aggregate classification.
Comment: PS4, PM5, PP3

Agnes Ginges Centre for Molecular Cardiology, Centenary Institute
Classification: Likely pathogenic for Hypertrophic cardiomyopathy 1. Last evaluated: 2019-02-01. Review status: criteria provided, single submitter. Criteria: ACMG Guidelines, 2015. Collection method: research. Allele origin: germline. Inheritance: Autosomal dominant inheritance. Affected: yes. Not counted in ClinVar's aggregate classification.
Comment: This MYH7 Arg143Trp variant has previously been reported in HCM cohorts (Erdmann J et al., 2003; Van Driest SL et al., 2004; Maron BJ et al., 2011; Liu W et al., 2013; Kapplinger JD et al., 2014; Chiou KR et al., 2014; Mademont-Soler I et al., 2017; Walsh R et al., 2017), and has been been proven to segregate in one family (Mademont-Soler I et al., 2017). This variant is present in the Genome Aggregation Database at an allele frequency of 0.000028. Interestingly, a different rare variant at this position (Arg143Gln) has been reported in multiple HCM individuals, suggesting that an amino acid substitution at this site may not be tolerated. Computational tools SIFT, MutationTaster and PolyPhen-2 predict this variant to be "deleterious". In summary, based on the adapted ACMG guidelines (Kelly MA, et al., 2018), this variant this variant has been reported in more than 10 unrelated probands (PS4), is rare in the general population (PM2), segregates to affected individuals in one family (PP1) and in silico tools predict the variant is deleterious (PP3), therefore we classify this variant as 'likely pathogenic'.

Human Genome Sequencing Center Clinical Lab, Baylor College of Medicine
Classification: Likely pathogenic for hypertrophic cardiomyopathy. Last evaluated: 2018-06-11. Review status: criteria provided, single submitter. Criteria: ACMG Guidelines, 2015. Collection method: clinical testing. Allele origin: unknown. Not counted in ClinVar's aggregate classification.
Comment: The c.427C>T (p.Arg143Trp) variant of the MYH7 gene has been identified in numerous (>15) individuals with Hypertrophic Cardiomyopathy (HCM) (PMID:12974739, 25086479, 26914223, 28408708, 28193612, 23711808, 28615295, 24510615, 24093860, 22765922, 22455086, 15563892, 27532257). This variant has also been reported in compound heterozygous status with a truncating variant (p.Arg1530*) in an individual with fatal dilated cardiomyopathy. In silico computational prediction suggests that the p.Arg143Trp variant may have deleterious effect on the protein function (REVEL score: 0.892). This variant is found to be rare (0.00002784) in the general population database (gnomAD). Another amino acid substitution at the same location (p.Arg143Gln) has been interpreted as likely pathogenic by the ClinGen Cardiomyopathy Variant Curation expert panel (ClinVar ID: 43006). Therefore, the c.427C>T (p.Arg143Trp) variant in the MYH7 gene is classified as likely pathogenic.

Stanford Center for Inherited Cardiovascular Disease, Stanford University
Classification: Likely pathogenic. Last evaluated: 2017-10-16. Review status: criteria provided, single submitter. Criteria: ACMG Guidelines, 2015. Collection method: provider interpretation. Allele origin: germline. Not counted in ClinVar's aggregate classification.

Ambry Genetics
Classification: Likely pathogenic for Inborn genetic diseases. Last evaluated: 2017-05-12. Review status: criteria provided, single submitter. Criteria: Ambry exome assertion method (8-5-2015). Collection method: clinical testing. Allele origin: germline. Affected: yes. Observed: 1 variant allele. Not counted in ClinVar's aggregate classification.

Clinical Genetics Service, Universitary Hospital 12 de Octubre
Classification: Pathogenic for Hypertrophic cardiomyopathy 1. Review status: criteria provided, single submitter. Criteria: ACMG Guidelines, 2015. Collection method: clinical testing. Allele origin: germline. Affected: yes. Not counted in ClinVar's aggregate classification.

Juno Genomics, Hangzhou Juno Genomics, Inc
Classification: Likely pathogenic for Hypertrophic cardiomyopathy 1. Review status: criteria provided, single submitter. Criteria: ACMG Guidelines, 2015. Collection method: clinical testing. Allele origin: germline. Not counted in ClinVar's aggregate classification.
Comment: Multiple lines of computational evidence support a deleterious effect on the gene or gene product.;The prevalence of the variant in affected individuals is significantly increased compared to the prevalence in controls.;Novel missense change at an amino acid residue where a different missense change determined to be pathogenic has been seen before.

Molecular Diagnostic Laboratory for Inherited Cardiovascular Disease, Montreal Heart Institute
Classification: Likely pathogenic for Primary familial hypertrophic cardiomyopathy. Review status: criteria provided, single submitter. Criteria: ACMG Guidelines, 2015. Collection method: clinical testing. Allele origin: germline. Affected: yes. Not counted in ClinVar's aggregate classification.

Literature cited by the submitters: PubMed 12974739 (cited by 7 submitters); PubMed 23711808 (cited by 4 submitters); PubMed 25086479 (cited by 6 submitters); PubMed 27532257 (cited by 6 submitters); PubMed 28408708 (cited by 6 submitters); PubMed 28615295 (cited by Labcorp Genetics (formerly Invitae), Labcorp and Laboratory for Molecular Medicine, Mass General Brigham Personalized Medicine); PubMed 28771489 (cited by 3 submitters); PubMed 30588760 (cited by 5 submitters); PubMed 15358028 (cited by 3 submitters); PubMed 15563892 (cited by Labcorp Genetics (formerly Invitae), Labcorp and Agnes Ginges Centre for Molecular Cardiology, Centenary Institute); PubMed 21252143 (cited by Labcorp Genetics (formerly Invitae), Labcorp); PubMed 22765922 (cited by Labcorp Genetics (formerly Invitae), Labcorp); PubMed 24093860 (cited by Labcorp Genetics (formerly Invitae), Labcorp and Agnes Ginges Centre for Molecular Cardiology, Centenary Institute); PubMed 24510615 (cited by 5 submitters); PubMed 26914223 (cited by 5 submitters); PubMed 28193612 (cited by 3 submitters); PubMed 32344918 (cited by 3 submitters); PubMed 32815737 (cited by Color Diagnostics, LLC DBA Color Health); PubMed 33309763 (cited by 3 submitters); PubMed 33495596 (cited by Color Diagnostics, LLC DBA Color Health and All of Us Research Program, National Institutes of Health); PubMed 33495597 (cited by Color Diagnostics, LLC DBA Color Health and All of Us Research Program, National Institutes of Health); PubMed 33673806 (cited by Color Diagnostics, LLC DBA Color Health and Ambry Genetics); PubMed 34598319 (cited by 3 submitters); PubMed 36975868 (cited by Color Diagnostics, LLC DBA Color Health); PubMed 37461109 (cited by Color Diagnostics, LLC DBA Color Health); PubMed 21839045 (cited by 3 submitters); PubMed 32894683 (cited by Ambry Genetics); PubMed 34542152 (cited by Ambry Genetics); PubMed 35653365 (cited by Ambry Genetics); PubMed 12820698 (cited by 3 submitters); PubMed 18383048 (cited by Agnes Ginges Centre for Molecular Cardiology, Centenary Institute); PubMed 22455086 (cited by Agnes Ginges Centre for Molecular Cardiology, Centenary Institute); PubMed 8533830 (cited by Ambry Genetics); PubMed 11433818 (cited by Ambry Genetics); PubMed 17502101 (cited by Ambry Genetics); PubMed 26246073 (cited by Ambry Genetics); PubMed 14656445 (cited by Ambry Genetics).